The following is an entry in ClinVar:

NM_080680.3(COL11A2):c.2809G>A (p.Gly937Ser)

Gene: COL11A2 (collagen type XI alpha 2 chain; minus strand). Cytogenetic location: 6p21.32.
Variant type: single nucleotide variant.
Coding change: c.2809G>A on transcript NM_080680.3 (MANE Select); coding-DNA position 2809, G replaced by A.
Protein change: p.Gly937Ser; replaces glycine 937 with serine.
Molecular consequence: missense variant.
Genome position (GRCh38, 1-based): chr6:33,172,619, C>T on the plus strand (G>A on the coding strand, the complement: COL11A2 is on the minus strand). VCF-style: chr6-33172619-C-T. GRCh37 (hg19) VCF-style: chr6-33140396-C-T.
Other names: c.2488G>A, p.Gly830Ser (NM_080679.3); c.2551G>A, p.Gly851Ser (NM_080681.3); short protein forms G937S, G851S, G830S.
Identifiers: ClinVar variation 546165 (VCV000546165.14), dbSNP rs993223370, ClinGen allele CA137067990.

ClinVar aggregate classification (germline): Uncertain significance. Review status: criteria provided, multiple submitters, no conflicts (2 of 4 stars). 5 submissions from 5 submitters: Uncertain significance (5). Last evaluated 2026-07-17.

Conditions:
Autosomal dominant nonsyndromic hearing loss 13. Identifiers: Orphanet 90635, MedGen C1866095, MONDO:0011159, OMIM 601868.
COL11A2-related disorder. Also called: COL11A2-related disorders; COL11A2-related condition.

Allele frequency attached by ClinVar (database versions not stated): gnomAD 0.00001; TOPMed 0.00003.
gnomAD v4.1: 20 of 1,612,374 alleles (0.0012%); highest among the groups gnomAD compares: African/African-American, 0.0013%; no homozygotes.

Submissions (5):

PreventionGenetics, part of Exact Sciences
Classification: Uncertain significance for COL11A2-related condition. Last evaluated: 2026-07-17. Review status: criteria provided, single submitter. Criteria: ACMG Guidelines, 2015. Collection method: clinical testing. Allele origin: germline.
Comment: The COL11A2 c.2809G>A variant is predicted to result in the amino acid substitution p.Gly937Ser. To our knowledge, this variant has not been reported in the literature. This variant is reported in 0.0040% of alleles in individuals of European (Finnish) descent in gnomAD. At this time, the clinical significance of this variant is uncertain due to the absence of conclusive functional and genetic evidence.

Victorian Clinical Genetics Services, Murdoch Childrens Research Institute
Classification: Uncertain significance for Autosomal dominant nonsyndromic hearing loss 13. Last evaluated: 2026-07-07. Review status: criteria provided, single submitter. Criteria: ACMG Guidelines, 2015. Collection method: clinical testing. Allele origin: germline. Affected: yes.
Comment: This variant is classified as VUS-3A. Evidence in support of pathogenic classification: Variant is present in gnomAD <0.01 (v4: 20 heterozygote(s), 0 homozygote(s)); Variant is located in the well-established functional Gly-X-Y motif (DECIPHER); Missense variant predicted to be damaging by in silico tool(s) or highly conserved with a major amino acid change. Additional information: Variant is predicted to result in a missense amino acid change from Gly to Ser; This variant is heterozygous; This gene is associated with both recessive and dominant disease (OMIM); Alternative amino acid change(s) at the same position are present in gnomAD (highest allele count: v4: 1 heterozygote(s), 0 homozygote(s)); Previous evidence of pathogenicity for this variant is inconclusive. This variant has been classified as a VUS by clinical laboratories in ClinVar. - No published evidence of segregation with disease has been identified for this variant; No published functional evidence has been identified for this variant; No comparable missense variants have previous evidence for pathogenicity; Loss of function is a known mechanism of disease in this gene and is associated with COL11A2-related conditions. Dominant negative may also be a mechanism of disease in this gene associated with missense variants affecting Gly residues of Gly-X-Y repeats (PMIDs: 16033917, 35741851); Inheritance information for this variant is not currently available in this individual.

Labcorp Genetics (formerly Invitae), Labcorp
Classification: Uncertain significance. Last evaluated: 2025-07-01. Review status: criteria provided, single submitter. Criteria: Invitae Variant Classification Sherloc (09022015). Collection method: clinical testing. Allele origin: germline.
Comment: This sequence change replaces glycine, which is neutral and non-polar, with serine, which is neutral and polar, at codon 937 of the COL11A2 protein (p.Gly937Ser). The frequency data for this variant in the population databases is considered unreliable, as metrics indicate poor data quality at this position in the gnomAD database. This variant has not been reported in the literature in individuals affected with COL11A2-related conditions. ClinVar contains an entry for this variant (Variation ID: 546165). Invitae Evidence Modeling of protein sequence and biophysical properties (such as structural, functional, and spatial information, amino acid conservation, physicochemical variation, residue mobility, and thermodynamic stability) indicates that this missense variant is expected to disrupt COL11A2 protein function with a positive predictive value of 95%. In summary, the available evidence is currently insufficient to determine the role of this variant in disease. Therefore, it has been classified as a Variant of Uncertain Significance.

Women's Health and Genetics/Laboratory Corporation of America, LabCorp
Classification: Uncertain significance. Last evaluated: 2025-02-07. Review status: criteria provided, single submitter. Criteria: LabCorp Variant Classification Summary - May 2015. Collection method: clinical testing. Allele origin: germline.
Comment: Variant summary: COL11A2 c.2809G>A (p.Gly937Ser) results in a non-conservative amino acid change in the encoded protein sequence. Five of five in-silico tools predict a damaging effect of the variant on protein function. The variant allele was found at a frequency of 1.2e-05 in 1612374 control chromosomes (gnomAD). This frequency is not significantly higher than estimated for a pathogenic variant in COL11A2 causing COL11A2-Related Disorders, allowing no conclusion about variant significance. To our knowledge, no occurrence of c.2809G>A in individuals affected with COL11A2-Related Disorders and no experimental evidence demonstrating its impact on protein function have been reported. ClinVar contains an entry for this variant (Variation ID: 546165). Based on the evidence outlined above, the variant was classified as uncertain significance.

GeneDx
Classification: Uncertain significance. Last evaluated: 2021-02-19. Review status: criteria provided, single submitter. Criteria: GeneDx Variant Classification Process June 2021. Collection method: clinical testing. Allele origin: germline. Affected: yes.
Comment: Has not been previously published as pathogenic or benign to our knowledge; Not observed at a significant frequency in large population cohorts (Lek et al., 2016); In silico analysis supports that this missense variant has a deleterious effect on protein structure/function

Literature cited by the submitters: PubMed 16033917 (cited by Victorian Clinical Genetics Services, Murdoch Childrens Research Institute); PubMed 35741851 (cited by Victorian Clinical Genetics Services, Murdoch Childrens Research Institute).